The following is an entry in ClinVar:

ClinVar aggregate classification (germline): Uncertain significance (1 of 4 stars; one submission).

Submission:

GeneDx
Classification: Uncertain significance. Last evaluated: 2022-07-19. Review status: criteria provided, single submitter. Criteria: GeneDx Variant Classification Process June 2021. Collection method: clinical testing. Allele origin: germline. Affected: yes.
Comment: Not observed at significant frequency in large population cohorts (gnomAD); In silico analysis supports that this missense variant does not alter protein structure/function; Has not been previously published as pathogenic or benign to our knowledge

NM_177939.3(P4HTM):c.472C>G (p.Leu158Val)

Gene: P4HTM (prolyl 4-hydroxylase, transmembrane; plus strand). Cytogenetic location: 3p21.31.
Variant type: single nucleotide variant.
Coding change: c.472C>G on transcript NM_177939.3 (MANE Select); coding-DNA position 472, C replaced by G.
Protein change: p.Leu158Val; replaces leucine 158 with valine.
Molecular consequence: missense variant.
Genome position (GRCh38, 1-based): chr3:49,001,473, C>G. VCF-style: chr3-49001473-C-G. GRCh37 (hg19) VCF-style: chr3-49038906-C-G.
Other names: c.472C>G, p.Leu158Val (NM_177938.2); short protein forms L158V.
Identifiers: ClinVar variation 2136031 (VCV002136031.1), dbSNP rs2092960946, ClinGen allele CA352653473.
Genomic context (GRCh38, chr3:49,001,473, plus strand): 5'-CCTCACCCACCTCCTCTTCTGGCAGAAATCCCCGGCTTCCTGACTGATGAAGAGTGTCGG[C>G]TCATCATCCATCTGGCGCAGATGAAGGGGTTACAGCGCAGCCAGATCCTGCCTACTGAAG-3'
Protein context (NP_808808.1, residues 148-168): PGFLTDEECR[Leu158Val]IIHLAQMKGL